The following is an entry in ClinVar:

ClinVar aggregate classification (germline): Uncertain significance. Review status: criteria provided, multiple submitters, no conflicts (2 of 4 stars). 3 submissions from 3 submitters: Uncertain significance (3). Last evaluated 2025-12-15.

Conditions:
Fanconi anemia (FA). Also called: Fanconi's anemia. Identifiers: Orphanet 84, MedGen C0015625, MeSH D005199, MONDO:0019391.
Fanconi anemia complementation group P. Also called: SLX4-Related Fanconi Anemia. Identifiers: Orphanet 84, MedGen C3469542, MONDO:0013499, OMIM 613951.

Allele frequency attached by ClinVar (database versions not stated): ExAC 0.00002; TOPMed 0.00002; gnomAD 0.00003; gnomAD exomes 0.00003; ESP Exome Variant Server 0.00015.
gnomAD v4.1: 99 of 1,614,054 alleles (0.0061%); highest among the groups gnomAD compares: East Asian, 0.073%; 1 homozygote.

Submissions (3):

Labcorp Genetics (formerly Invitae), Labcorp
Classification: Uncertain significance for Fanconi anemia. Last evaluated: 2025-12-15. Review status: criteria provided, single submitter. Criteria: Invitae Variant Classification Sherloc (09022015). Collection method: clinical testing. Allele origin: germline.
Comment: This sequence change replaces threonine, which is neutral and polar, with methionine, which is neutral and non-polar, at codon 162 of the SLX4 protein (p.Thr162Met). This variant is present in population databases (rs140876043, gnomAD 0.01%). This variant has not been reported in the literature in individuals affected with SLX4-related conditions. ClinVar contains an entry for this variant (Variation ID: 456330). An algorithm developed to predict the effect of missense changes on protein structure and function (PolyPhen-2) suggests that this variant is likely to be tolerated. In summary, the available evidence is currently insufficient to determine the role of this variant in disease. Therefore, it has been classified as a Variant of Uncertain Significance.

Fulgent Genetics
Classification: Uncertain significance for Fanconi anemia complementation group P. Last evaluated: 2024-02-16. Review status: criteria provided, single submitter. Criteria: ACMG Guidelines, 2015. Collection method: clinical testing. Allele origin: germline.

Women's Health and Genetics/Laboratory Corporation of America, LabCorp
Classification: Uncertain significance. Last evaluated: 2023-09-08. Review status: criteria provided, single submitter. Criteria: LabCorp Variant Classification Summary - May 2015. Collection method: clinical testing. Allele origin: germline.
Comment: Variant summary: BTBD12 c.485C>T (p.Thr162Met) results in a non-conservative amino acid change in the encoded protein sequence. Three of five in-silico tools predict a damaging effect of the variant on protein function. The variant allele was found at a frequency of 2.8e-05 in 251496 control chromosomes (gnomAD). The available data on variant occurrences in the general population are insufficient to allow any conclusion about variant significance. To our knowledge, no occurrence of c.485C>T in individuals affected with Fanconi Anemia and no experimental evidence demonstrating its impact on protein function have been reported. Two submitters have cited clinical-significance assessments for this variant to ClinVar after 2014. Both submitters classified the variant as uncertain significance. Based on the evidence outlined above, the variant was classified as uncertain significance.

NM_032444.4(SLX4):c.485C>T (p.Thr162Met)

Gene: SLX4 (SLX4 structure-specific endonuclease subunit; minus strand). Cytogenetic location: 16p13.3.
Variant type: single nucleotide variant.
Coding change: c.485C>T on transcript NM_032444.4 (MANE Select); coding-DNA position 485, C replaced by T.
Protein change: p.Thr162Met; replaces threonine 162 with methionine.
Molecular consequence: missense variant.
Genome position (GRCh38, 1-based): chr16:3,608,480, G>A on the plus strand (C>T on the coding strand, the complement: SLX4 is on the minus strand). VCF-style: chr16-3608480-G-A. GRCh37 (hg19) VCF-style: chr16-3658481-G-A.
Other names: c.485C>T (LRG_503t1, NM_032444.3); short protein forms T162M.
Identifiers: ClinVar variation 456330 (VCV000456330.9), dbSNP rs140876043, ClinGen allele CA7866860.